The following is an entry in ClinVar:

NM_001197104.2(KMT2A):c.3634+6G>A

Gene: KMT2A (lysine methyltransferase 2A; plus strand). Cytogenetic location: 11q23.3.
Variant type: single nucleotide variant.
Coding change: c.3634+6G>A on transcript NM_001197104.2 (MANE Select); 6 bases into the intron after coding-DNA position 3634, G replaced by A.
Molecular consequence: intron variant.
Genome position (GRCh38, 1-based): chr11:118,480,244, G>A. VCF-style: chr11-118480244-G-A. GRCh37 (hg19) VCF-style: chr11-118350959-G-A.
Other names: c.3733+6G>A (NM_001412597.1); c.3634+6G>A (NM_005933.4).
Identifiers: ClinVar variation 4811390 (VCV004811390.1).
Genomic context (GRCh38, chr11:118,480,244, plus strand): 5'-TGTCAGAATCTACAATGGATGCCTTCCAAAGCCTACCTGCAGAAGCAAGCTAAAGGTAGT[G>A]TTGTTAAAAAGGTCTTCCCCCAAATGCTCCTTGCTTAAATGGTGTATAGTTGTATACACC-3'

ClinVar aggregate classification (germline): Uncertain significance (1 of 4 stars; one submission).

Submission:

Labcorp Genetics (formerly Invitae), Labcorp
Classification: Uncertain significance. Last evaluated: 2025-04-08. Review status: criteria provided, single submitter. Criteria: Invitae Variant Classification Sherloc (09022015). Collection method: clinical testing. Allele origin: germline.
Comment: This sequence change falls in intron 6 of the KMT2A gene. It does not directly change the encoded amino acid sequence of the KMT2A protein. It affects a nucleotide within the consensus splice site. This variant is not present in population databases (gnomAD no frequency). This variant has not been reported in the literature in individuals affected with KMT2A-related conditions. Variants that disrupt the consensus splice site are a relatively common cause of aberrant splicing (PMID: 17576681, 9536098). Algorithms developed to predict the effect of sequence changes on RNA splicing suggest that this variant is not likely to affect RNA splicing. In summary, the available evidence is currently insufficient to determine the role of this variant in disease. Therefore, it has been classified as a Variant of Uncertain Significance.

Literature cited by the submitters: PubMed 17576681; PubMed 9536098.